The following is an entry in ClinVar:

NM_000377.3(WAS):c.244T>C (p.Ser82Pro)

Gene: WAS (WASP actin nucleation promoting factor; plus strand). Cytogenetic location: Xp11.23.
Variant type: single nucleotide variant.
Coding change: c.244T>C on transcript NM_000377.3 (MANE Select); coding-DNA position 244, T replaced by C.
Protein change: p.Ser82Pro; replaces serine 82 with proline.
Molecular consequence: missense variant.
Genome position (GRCh38, 1-based): chrX:48,684,394, T>C. VCF-style: chrX-48684394-T-C. GRCh37 (hg19) VCF-style: chrX-48542783-T-C.
Other names: short protein forms S82P.
Identifiers: ClinVar variation 11122 (VCV000011122.6), dbSNP rs132630272, ClinGen allele CA121359.

ClinVar aggregate classification (germline): Likely pathogenic. Review status: criteria provided, single submitter (1 of 4 stars). 2 submissions from 2 submitters: Likely pathogenic (1). 1 of the submissions does not count toward it. Last evaluated 2019-12-04.

Conditions:
WISKOTT-ALDRICH SYNDROME, ATTENUATED. Identifiers: MedGen C4016481.

Submissions (2):

Mayo Clinic Laboratories, Mayo Clinic
Classification: Likely pathogenic. Last evaluated: 2019-12-04. Review status: criteria provided, single submitter. Criteria: ACMG Guidelines, 2015. Collection method: clinical testing. Allele origin: germline. Observed: 1 variant allele.
Comment: PS3_moderate, PS4_moderate, PM1 , PM2, PP3

OMIM
Classification: Pathogenic for WISKOTT-ALDRICH SYNDROME, ATTENUATED. Last evaluated: 1995-07-01. Review status: no assertion criteria provided. Collection method: literature only. Allele origin: germline. Not counted in ClinVar's aggregate classification.

Literature cited by the submitters: PubMed 8528198 (cited by Mayo Clinic Laboratories, Mayo Clinic and OMIM); PubMed 15497008 (cited by Mayo Clinic Laboratories, Mayo Clinic); PubMed 17703096 (cited by Mayo Clinic Laboratories, Mayo Clinic); PubMed 19817875 (cited by Mayo Clinic Laboratories, Mayo Clinic); PubMed 20232122 (cited by Mayo Clinic Laboratories, Mayo Clinic); PubMed 7735919 (cited by OMIM).